The following is an entry in ClinVar:

NM_007294.4(BRCA1):c.2831del (p.Cys944fs)

Gene: BRCA1 (BRCA1 DNA repair associated; minus strand). Cytogenetic location: 17q21.31.
Variant type: Deletion.
Coding change: c.2831del on transcript NM_007294.4 (MANE Select); coding-DNA position 2831, one base deleted (G; older notation c.2831delG).
Protein change: p.Cys944fs; shifts the reading frame from cysteine 944.
Molecular consequence: frameshift variant. On other transcripts: intron variant (137).
Genome position (GRCh38, 1-based): chr17:43,092,700, C deleted on the plus strand (G on the coding strand, the reverse complement: BRCA1 is on the minus strand). VCF-style (leftmost placement, unchanged base first): chr17-43092699-AC-A. GRCh37 (hg19) VCF-style: chr17-41244716-AC-A.
Other names: c.2618del, p.Cys873fs (NM_001407571.1, NM_001407894.1, NM_001407895.1 and 9 more transcripts); c.2831del, p.Cys944fs (NM_001407581.1, NM_001407582.1, NM_001407583.1 and 30 more transcripts); c.2828del, p.Cys943fs (NM_001407587.1, NM_001407590.1, NM_001407591.1 and 22 more transcripts); c.707-1668del (NM_001408416.1, NM_001408413.1); c.578-1668del (NM_001408484.1, NM_001408478.1, NM_001408514.1 and 9 more transcripts); c.662-1668del (NM_001408450.1, NM_001408434.1, NM_001408447.1 and 6 more transcripts); c.785-1668del (NM_001408398.1, NM_001407992.1, NM_001408400.1 and 13 more transcripts); c.665-1668del (NM_001408440.1, NM_001408428.1, NM_001408441.1 and 12 more transcripts); and 41 more; short protein forms C776fs, C832fs, C943fs, C816fs, C856fs, C874fs, C876fs, C877fs.
Identifiers: ClinVar variation 5033209 (VCV005033209.1).

ClinVar aggregate classification (germline): Pathogenic (1 of 4 stars; one submission).

Conditions:
Hereditary cancer-predisposing syndrome. Also called: Neoplastic Syndromes, Hereditary; Tumor predisposition; Hereditary neoplastic syndrome; Hereditary Cancer Syndrome. Identifiers: Orphanet 140162, MedGen C0027672, MeSH D009386, MONDO:0015356.

Submission:

Ambry Genetics
Classification: Pathogenic for Hereditary cancer-predisposing syndrome. Last evaluated: 2026-08-25. Review status: criteria provided, single submitter. Criteria: Ambry Variant Classification Scheme 2023. Collection method: clinical testing. Allele origin: germline.
Comment: The c.2831delG pathogenic mutation, located in coding exon 9 of the BRCA1 gene, results from a deletion of one nucleotide at nucleotide position 2831, causing a translational frameshift with a predicted alternate stop codon (p.C944Lfs*56). This variant is considered to be rare based on population cohorts in the Genome Aggregation Database (gnomAD). This alteration is expected to result in loss of function by premature protein truncation or nonsense-mediated mRNA decay. As such, this alteration is interpreted as a disease-causing mutation.